The following is an entry in ClinVar:

NM_001166114.2(PNPLA6):c.3884C>T (p.Thr1295Met)

Gene: PNPLA6 (patatin like domain 6, lysophospholipase; plus strand). Cytogenetic location: 19p13.2.
Variant type: single nucleotide variant.
Coding change: c.3884C>T on transcript NM_001166114.2 (MANE Select); coding-DNA position 3884, C replaced by T.
Protein change: p.Thr1295Met; replaces threonine 1295 with methionine.
Molecular consequence: missense variant.
Genome position (GRCh38, 1-based): chr19:7,561,081, C>T. VCF-style: chr19-7561081-C-T. GRCh37 (hg19) VCF-style: chr19-7625967-C-T.
Other names: c.3914C>T, p.Thr1305Met (NM_001166111.2); c.3689C>T, p.Thr1230Met (NM_001166112.2); c.3770C>T, p.Thr1257Met (NM_001166113.1, NM_006702.5); short protein forms T1257M, T1295M, T1305M, T1230M.
Identifiers: ClinVar variation 537336 (VCV000537336.6), dbSNP rs758549829, ClinGen allele CA9140621.
Genomic context (GRCh38, chr19:7,561,081, plus strand): 5'-CCTTCCCAAGCTCTGGCTTCACTGACTTGGCAGAGATTGTGTCCCGGATTGAGCCCCCCA[C>T]GAGCTATGTCTCTGATGGCTGTGCTGACGGTGAGGGGCCCAGGGGACCCCCCAAGAGGGA-3'
Protein context (NP_001159586.1, residues 1285-1305): AEIVSRIEPP[Thr1295Met]SYVSDGCADG

ClinVar aggregate classification (germline): Uncertain significance (1 of 4 stars; one submission).

Conditions:
Hereditary spastic paraplegia 39 (SPG39). Also called: SPASTIC PARAPLEGIA 39, AUTOSOMAL RECESSIVE; Spastic Paraplegia Type 39 (SPG39). Identifiers: Orphanet 139480, MedGen C2677586, MONDO:0012787, OMIM 612020.

Allele frequency attached by ClinVar (database versions not stated): ExAC 0.00001; TOPMed 0.00002; gnomAD 0.00003.
gnomAD v4.1: 128 of 1,612,980 alleles (0.0079%); highest among the groups gnomAD compares: Non-Finnish European, 0.01%; no homozygotes.

Submission:

Labcorp Genetics (formerly Invitae), Labcorp
Classification: Uncertain significance for Hereditary spastic paraplegia 39. Last evaluated: 2021-09-01. Review status: criteria provided, single submitter. Criteria: Invitae Variant Classification Sherloc (09022015). Collection method: clinical testing. Allele origin: germline.
Comment: This sequence change replaces threonine with methionine at codon 1257 of the PNPLA6 protein (p.Thr1257Met). The threonine residue is weakly conserved and there is a moderate physicochemical difference between threonine and methionine. This variant is present in population databases (rs758549829, ExAC 0.002%). This variant has not been reported in the literature in individuals affected with PNPLA6-related conditions. Algorithms developed to predict the effect of missense changes on protein structure and function are either unavailable or do not agree on the potential impact of this missense change (SIFT: "Tolerated"; PolyPhen-2: "Possibly Damaging"; Align-GVGD: "Class C0"). In summary, the available evidence is currently insufficient to determine the role of this variant in disease. Therefore, it has been classified as a Variant of Uncertain Significance.